The following is an entry in ClinVar:

NM_001848.3(COL6A1):c.930+2T>A

Gene: COL6A1 (collagen type VI alpha 1 chain; plus strand). Cytogenetic location: 21q22.3.
Variant type: single nucleotide variant.
Coding change: c.930+2T>A on transcript NM_001848.3 (MANE Select); the canonical splice donor site of the intron after coding-DNA position 930, T replaced by A.
Molecular consequence: splice donor variant.
Genome position (GRCh38, 1-based): chr21:45,989,780, T>A. VCF-style: chr21-45989780-T-A. GRCh37 (hg19) VCF-style: chr21-47409694-T-A.
Identifiers: ClinVar variation 4529477 (VCV004529477.1).

ClinVar aggregate classification (germline): Pathogenic (1 of 4 stars; one submission).

Conditions:
Bethlem myopathy 1A. Also called: MYOPATHY, BENIGN CONGENITAL, WITH CONTRACTURES; Bethlem Muscular Dystrophy; Bethlem myopathy 1. Identifiers: Orphanet 610, MedGen CN029274, MONDO:0024530, OMIM 158810.

Submission:

Kasturba Medical College, Manipal, Kasturba Medical College, Manipal, Manipal Academy of Higher Education, Manipal, India
Classification: Pathogenic for Bethlem myopathy 1A. Review status: criteria provided, single submitter. Criteria: ACMG Guidelines, 2015. Collection method: research. Allele origin: maternal. Inheritance: Autosomal dominant inheritance. Affected: yes. Observed: 1 heterozygote.
Comment: This variant is not observed in the gnomAD (v4.1.0) population database and our in-house database of 3822 individuals. This canonical splice site variant is likely to result in aberrant splicing and could either lead to the formation of a truncated protein product or the transcript may undergo nonsense-mediated mRNA decay.